The following is an entry in ClinVar:

NM_000180.4(GUCY2D):c.2944+1del

Gene: GUCY2D (guanylate cyclase 2D, retinal; plus strand). Cytogenetic location: 17p13.1.
Variant type: Deletion.
Coding change: c.2944+1del on transcript NM_000180.4 (MANE Select); the canonical splice donor site of the intron after coding-DNA position 2944, one base deleted (G; older notation c.2944+1delG).
Molecular consequence: splice donor variant.
Genome position (GRCh38, 1-based): chr17:8,015,503, G deleted; the last of 3 consecutive G bases (chr17:8,015,501-8,015,503); deleting any one gives the same sequence. VCF-style (leftmost placement, unchanged base first): chr17-8015500-CG-C. GRCh37 (hg19) VCF-style: chr17-7918818-CG-C.
Other names: c.2943delG (NM_000180.3); c.2944del (NM_000180.3, NM_000180.4); c.2944+1delG (NM_000180.3).
Identifiers: ClinVar variation 98582 (VCV000098582.18), dbSNP rs61750185, ClinGen allele CA226109.

ClinVar aggregate classification (germline): Pathogenic. Review status: reviewed by expert panel (3 of 4 stars). 13 submissions from 11 submitters: Pathogenic (1). 12 of the submissions do not count toward it. Last evaluated 2025-01-30.

Conditions:
GUCY2D-related disorders.
GUCY2D-related recessive retinopathy. Also called: Recessive GUCY2D retinopathy. Identifiers: MedGen CN305603, MONDO:0100453.
GUCY2D-related disorder. Also called: GUCY2D-related condition.
Optic atrophy. Identifiers: MedGen C0029124, MONDO:0003608, HP:0000648.
Retinal dystrophy. Also called: Inherited retinal dystrophy. Identifiers: Orphanet 71862, MedGen C0854723, MeSH D058499, MONDO:0019118, HP:0000556.
Cone-rod dystrophy 6 (CORD6). Also called: RETINAL CONE DYSTROPHY 2; Cone dystrophy progressive. Identifiers: Orphanet 1872, MedGen C1866293, MONDO:0011143, OMIM 601777.
Leber congenital amaurosis 1 (LCA1). Also called: AMAUROSIS CONGENITA OF LEBER I; RETINAL BLINDNESS, CONGENITAL; Congenital absence of the rods and cones; Leber's congenital tapetoretinal degeneration; Leber's congenital tapetoretinal dysplasia. Identifiers: Orphanet 65, MedGen C2931258, MONDO:0008764, OMIM 204000.

Submissions (13):

ClinGen Leber Congenital Amaurosis/early Onset Retinal Dystrophy Variant Curation Expert Panel, ClinGen
Classification: Pathogenic for GUCY2D-related recessive retinopathy. Last evaluated: 2025-01-30. Review status: reviewed by expert panel. Criteria: ClinGen LCAeoRD ACMG Specifications GUCY2D V1.0.0. Collection method: curation. Allele origin: germline. Inheritance: Autosomal recessive inheritance.
Comment: The NC_000017.11:g.8015503del variant has been published as NM_000180.4(GUCY2D):c.2944+1del and NM_000180.4(GUCY2D):c.2943del, and is the result of the deletion of a base at the exon15/intron 15 junction. This variant disrupts the canonical splice site and is predicted to lead to skipping of a critical exon, resulting in a frameshift. This frameshift is predicted to lead to nonsense mediated decay in a gene in which loss-of-function is an established mechanism of disease (PVS1). This variant is present in gnomAD v4.1.0 at a total allele frequency of 0.0002241, with 361 alleles / 1,610,570 total alleles, which is lower than the ClinGen LCA/eoRD VCEP PM2_Supporting threshold of <0.0004 (PM2_Supporting). It has been reported in at least 4 unrelated probands with early-onset severe retinal dystrophy who were homozygous for the variant (1 point, PMIDs: 12325031, 39244273). This variant has also been reported in at least 1 proband with early-onset severe retinal dystrophy who was compound heterozygous with the p.Arg768Trp variant confirmed in trans (1 point, PMID: 39244273), which was previously classified pathogenic by the ClinGen LCA/eoRD VCEP. This variant has also been reported in at least 1 proband with early-onset severe retinal dystrophy who was compound heterozygous with the p.Val989Leu variant confirmed in trans (not counted), which has not been classified by the ClinGen LCA/eoRD VCEP (2 total points, PM3_Strong). The variant has been reported to segregate with childhood-onset severe retinal dystrophy through the proband plus 1 similarly affected relative, with the variant present in the homozygous state (PP1; PMID: 12325031). In summary, this variant meets the criteria to be classified as Pathogenic for GUCY2D-related recessive retinopathy based on the ACMG/AMP criteria applied, as specified by the ClinGen LCA/eoRD VCEP: PVS1, PM3_Strong, PM2_Supporting, PP1. (VCEP specifications version 1.0.0; date of approval 01/22/2025).

Labcorp Genetics (formerly Invitae), Labcorp
Classification: Pathogenic for Leber congenital amaurosis 1; Cone-rod dystrophy 6. Last evaluated: 2025-10-01. Review status: criteria provided, single submitter. Criteria: Invitae Variant Classification Sherloc (09022015). Collection method: clinical testing. Allele origin: germline. Not counted in ClinVar's aggregate classification.
Comment: This sequence change creates a premature translational stop signal (Splice site) in the GUCY2D gene. It is expected to result in an absent or disrupted protein product. Loss-of-function variants in GUCY2D are known to be pathogenic (PMID: 10951519, 11328726). This variant is present in population databases (rs61750185, gnomAD 0.4%), and has an allele count higher than expected for a pathogenic variant. This premature translational stop signal has been observed in individual(s) with autosomal recessive Leber congenital amaurosis (PMID: 12325031). It has also been observed to segregate with disease in related individuals. This variant is also known as c.2944+1del and c.2943delG. ClinVar contains an entry for this variant (Variation ID: 98582). For these reasons, this variant has been classified as Pathogenic.

Laboratory of Genetics, Children's Clinical University Hospital Latvia
Classification: Pathogenic. Last evaluated: 2025-02-16. Review status: criteria provided, single submitter. Criteria: ACMG Guidelines, 2015. Collection method: clinical testing. Allele origin: germline. Affected: yes. Not counted in ClinVar's aggregate classification.

Blueprint Genetics
Classification: Pathogenic for GUCY2D-related disorders. Last evaluated: 2024-09-17. Review status: criteria provided, single submitter. Criteria: ACMG Guidelines, 2015. Collection method: clinical testing. Allele origin: germline. Affected: yes. Observed: 5 variant alleles. Not counted in ClinVar's aggregate classification.

GeneDx
Classification: Pathogenic. Last evaluated: 2022-05-20. Review status: criteria provided, single submitter. Criteria: GeneDx Variant Classification Process June 2021. Collection method: clinical testing. Allele origin: germline. Affected: yes. Not counted in ClinVar's aggregate classification.
Comment: Canonical splice site variant predicted to result in a null allele in a gene for which loss of function is a known mechanism of disease; This variant is associated with the following publications: (PMID: 33109612, 12325031, 29068140, 29559409, 15643614)

Institute of Human Genetics, Univ. Regensburg, Univ. Regensburg
Classification: Pathogenic for Retinal dystrophy. Last evaluated: 2022-01-01. Review status: criteria provided, single submitter. Criteria: ACMG Guidelines, 2015. Collection method: clinical testing. Allele origin: germline. Affected: yes. Not counted in ClinVar's aggregate classification.

Ocular Genomics Institute, Massachusetts Eye and Ear
Classification: Likely pathogenic for Leber congenital amaurosis 1. Last evaluated: 2021-04-08. Review status: criteria provided, single submitter. Criteria: ACMG Guidelines, 2015. Collection method: research. Allele origin: germline. Affected: yes. Not counted in ClinVar's aggregate classification.
Comment: Through a review of available evidence we were able to apply the following criteria: PVS1, PM2. Based on this evidence we have classified this variant as Likely Pathogenic.

PreventionGenetics, part of Exact Sciences
Classification: Pathogenic for GUCY2D-related condition. Last evaluated: 2024-09-18. Review status: no assertion criteria provided. Collection method: clinical testing. Allele origin: germline. Not counted in ClinVar's aggregate classification.
Comment: The GUCY2D c.2944+1delG variant is predicted to result in a deletion affecting a canonical splice site. This variant, alternatively referred to as c.2943delG or p.Gly982Valfs*39 using legacy nomenclature, has been reported in the homozygous and compound heterozygous states in multiple individuals with leber congenital amaurosis (Hanein et al. 2002. PubMed ID: 12325031; Avela et al. 2017. PubMed ID: 29068140), cone-rod dystrophy (Areblom et al. 2023. PubMed ID: 37510321), or other unspecified inherited retinal diseases (Lin et al. 2024. PubMed ID: 38219857). This variant was present in the homozygous state in two related individuals with leber congenital amaurosis (Hanein et al. 2002. PubMed ID: 12325031). This variant is reported in 0.41% of alleles in individuals of European (Finnish) descent in gnomAD. An in vitro experimental study suggests this variant abolishes GUCY2D activity (Peshenko et al. 2020. PubMed ID: 33109612). Variants that disrupt the consensus splice donor site in GUCY2D are expected to be pathogenic. This variant is interpreted as pathogenic.

Institute of Human Genetics, Univ. Regensburg, Univ. Regensburg
Classification: Pathogenic for Optic atrophy. Last evaluated: 2018-01-01. Review status: no assertion criteria provided. Criteria: ACMG Guidelines, 2015. Collection method: clinical testing. Allele origin: germline. Affected: yes. Not counted in ClinVar's aggregate classification.

OMIM
Classification: Pathogenic for LEBER CONGENITAL AMAUROSIS 1. Last evaluated: 2002-10-01. Review status: no assertion criteria provided. Collection method: literature only. Allele origin: germline. Not counted in ClinVar's aggregate classification.

Laboratory of Genetics in Ophthalmology, Institut Imagine
Classification: Pathogenic for Leber congenital amaurosis 1. Review status: no assertion criteria provided. Collection method: research. Allele origin: inherited. Affected: yes. Observed: 7 variant alleles. Not counted in ClinVar's aggregate classification.

Retina International
No classification provided. Review status: no classification provided. Collection method: not provided. Allele origin: not provided. Not counted in ClinVar's aggregate classification.

Laboratory of Genetics in Ophthalmology, Institut Imagine
Classification: Pathogenic for Leber congenital amaurosis 1. Review status: flagged submission. Collection method: research. Allele origin: inherited. Affected: yes. Observed: 1 variant allele. Not counted in ClinVar's aggregate classification.
ClinVar note: Reason: This record appears to be redundant with a more recent record from the same submitter.
ClinVar note: Notes: SCV001426342 appears to be redundant with SCV001426343.

Literature cited by the submitters: PubMed 10951519 (cited by Labcorp Genetics (formerly Invitae), Labcorp); PubMed 11328726 (cited by Labcorp Genetics (formerly Invitae), Labcorp); PubMed 12325031 (cited by 4 submitters); PubMed 29068140 (cited by Institute of Human Genetics, Univ. Regensburg, Univ. Regensburg); PubMed 29559409 (cited by Institute of Human Genetics, Univ. Regensburg, Univ. Regensburg); PubMed 31964843 (cited by Institute of Human Genetics, Univ. Regensburg, Univ. Regensburg); PubMed 33109612 (cited by Institute of Human Genetics, Univ. Regensburg, Univ. Regensburg).